The following is an entry in ClinVar:

ClinVar aggregate classification (germline): Likely benign. Review status: criteria provided, multiple submitters, no conflicts (2 of 4 stars). 4 submissions from 4 submitters: Likely benign (3). 1 of the submissions does not count toward it. Last evaluated 2025-09-13.

Conditions:
FLNB-related disorder. Also called: FLNB-related condition; FLNB-related disorders. Identifiers: MedGen CN381095.

Allele frequency attached by ClinVar (database versions not stated): gnomAD exomes 0.00001; TOPMed 0.00001; ExAC 0.00002; gnomAD 0.00003; 1000 Genomes Project 30x 0.00031; 1000 Genomes Project 0.00040.
gnomAD v4.1: 26 of 1,614,212 alleles (0.0016%); highest among the groups gnomAD compares: African/African-American, 0.023%; no homozygotes.

Submissions (4):

Labcorp Genetics (formerly Invitae), Labcorp
Classification: Likely benign. Last evaluated: 2025-09-13. Review status: criteria provided, single submitter. Criteria: Invitae Variant Classification Sherloc (09022015). Collection method: clinical testing. Allele origin: germline.

Blueprint Genetics
Classification: Likely benign. Last evaluated: 2024-09-04. Review status: criteria provided, single submitter. Criteria: ACMG Guidelines, 2015. Collection method: clinical testing. Allele origin: germline.

CeGaT Center for Human Genetics Tuebingen
Classification: Likely benign. Last evaluated: 2022-08-01. Review status: criteria provided, single submitter. Criteria: CeGaT Center For Human Genetics Tuebingen Variant Classification Criteria Version 2. Collection method: clinical testing. Allele origin: germline. Affected: yes. Observed: 2 variant alleles.
Comment: FLNB: BP4, BP7

PreventionGenetics, part of Exact Sciences
Classification: Likely benign for FLNB-related condition. Last evaluated: 2019-03-25. Review status: no assertion criteria provided. Collection method: clinical testing. Allele origin: germline. Not counted in ClinVar's aggregate classification.
Comment: This variant is classified as likely benign based on ACMG/AMP sequence variant interpretation guidelines (Richards et al. 2015 PMID: 25741868, with internal and published modifications).

NM_001457.4(FLNB):c.7125T>C (p.Val2375=)

Genes: FLNB (filamin B; plus strand), FLNB-AS1 (FLNB antisense RNA 1; minus strand). Cytogenetic location: 3p14.3.
Variant type: single nucleotide variant.
Coding change: c.7125T>C on transcript NM_001457.4 (MANE Select); coding-DNA position 7125, T replaced by C.
Protein change: p.Val2375=; no amino-acid change (valine 2375 retained).
Molecular consequence: synonymous variant. On other transcripts: non-coding transcript variant (1).
Genome position (GRCh38, 1-based): chr3:58,163,257, T>C. VCF-style: chr3-58163257-T-C. GRCh37 (hg19) VCF-style: chr3-58148984-T-C.
Other names: c.7218T>C, p.Val2406= (NM_001164317.2); c.7092T>C, p.Val2364= (NM_001164318.2); c.7053T>C, p.Val2351= (NM_001164319.2); c.7125T>C (NM_001457.3).
Identifiers: ClinVar variation 2154052 (VCV002154052.30), dbSNP rs143223509, ClinGen allele CA2469608.